The following is an entry in ClinVar:

NC_000007.14:g.(?_74028178)_(74068710_?)del

Gene: ELN (elastin; plus strand). Cytogenetic location: 7q11.23.
Variant type: Deletion.
Identifiers: ClinVar variation 832968 (VCV000832968.1).

ClinVar aggregate classification (germline): Pathogenic (1 of 4 stars; one submission).

Conditions:
Supravalvar aortic stenosis (SVAS). Also called: Supravalvar aortic stenosis, Eisenberg type. Identifiers: Orphanet 3193, MedGen C0003499, MONDO:0008504, OMIM 185500, HP:0004381.

Submission:

Labcorp Genetics (formerly Invitae), Labcorp
Classification: Pathogenic for Supravalvar aortic stenosis. Last evaluated: 2019-09-17. Review status: criteria provided, single submitter. Criteria: Invitae Variant Classification Sherloc (09022015). Collection method: clinical testing. Allele origin: germline.
Comment: A gross deletion of the genomic region encompassing the full coding sequence of the ELN gene has been identified. The boundaries of this event are unknown as the deletion extends beyond the assayed region for this gene and therefore may encompass additional genes. Isolated whole-gene deletions of ELN have not been reported in the literature. However, larger copy number events that include this gene have been reported (PMID: 7726172, 25205790, 10627943, 7557968, 7611295, 8968740, 25205790, 28277377). Loss-of-function variants in ELN are known to be pathogenic (PMID: 11175284). For these reasons, this variant has been classified as Pathogenic.

Literature cited by the submitters: PubMed 25205790; PubMed 7726172; PubMed 7557968; PubMed 8968740; PubMed 7611295; PubMed 10627943; PubMed 28277377.